The following is an entry in ClinVar:

ClinVar aggregate classification (germline): Pathogenic (1 of 4 stars; one submission).

Submission:

Labcorp Genetics (formerly Invitae), Labcorp
Classification: Pathogenic. Last evaluated: 2023-02-16. Review status: criteria provided, single submitter. Criteria: Invitae Variant Classification Sherloc (09022015). Collection method: clinical testing. Allele origin: germline.
Comment: For these reasons, this variant has been classified as Pathogenic. This variant is not present in population databases (gnomAD no frequency). This sequence change creates a premature translational stop signal (p.Asp115Valfs*29) in the SLC12A3 gene. It is expected to result in an absent or disrupted protein product. Loss-of-function variants in SLC12A3 are known to be pathogenic (PMID: 20848653, 22009145, 25841442). This variant has not been reported in the literature in individuals affected with SLC12A3-related conditions.

Literature cited by the submitters: PubMed 20848653; PubMed 22009145; PubMed 25841442.

NM_001126108.2(SLC12A3):c.342_343dup (p.Asp115fs)

Gene: SLC12A3 (solute carrier family 12 member 3; plus strand). Cytogenetic location: 16q13.
Variant type: Duplication.
Coding change: c.342_343dup on transcript NM_001126108.2 (MANE Select); coding-DNA positions 342 to 343, 2 bases duplicated (TG; older notation c.342_343dupTG).
Protein change: p.Asp115fs; shifts the reading frame from aspartic acid 115.
Molecular consequence: frameshift variant.
Genome position (GRCh38, 1-based): chr16:56,867,129-56,867,130, TG duplicated. VCF-style (leftmost placement, unchanged base first): chr16-56867128-C-CTG. GRCh37 (hg19) VCF-style: chr16-56901040-C-CTG.
Other names: c.342_343dup, p.Asp115fs (NM_000339.3); c.339_340dup, p.Asp114fs (NM_001126107.2, NM_001410896.1); short protein forms D115fs, D114fs.
Identifiers: ClinVar variation 2836306 (VCV002836306.3), dbSNP rs2543472921, ClinGen allele CA2739266770.